The following is an entry in ClinVar:

ClinVar aggregate classification (germline): Conflicting classifications of pathogenicity. Review status: criteria provided, conflicting classifications (1 of 4 stars). 10 submissions from 10 submitters: Uncertain significance (6); Likely benign (3). 1 of the submissions does not count toward it. Last evaluated 2026-03-30.

Conditions:
COL5A2-related disorder. Also called: COL5A2-related condition.
Ehlers-Danlos syndrome, classic type, 1 (EDSCL1). Also called: EHLERS-DANLOS SYNDROME, GRAVIS TYPE; EHLERS-DANLOS SYNDROME, SEVERE CLASSIC TYPE; Ehlers-Danlos syndrome, type 1; Ehlers-Danlos Syndrome, Classic Type, COL5A1-Related; EDS I. Identifiers: MedGen C0268335, MONDO:0019567, OMIM 130000.
Familial thoracic aortic aneurysm and aortic dissection (TAAD). Also called: Thoracic aortic aneurysms and dissections. Identifiers: Orphanet 91387, MedGen C4707243, MONDO:0019625.

Allele frequency attached by ClinVar (database versions not stated): gnomAD exomes 0.00006; ExAC 0.00007; TOPMed 0.00009; gnomAD 0.00010 and 0.00011; ESP Exome Variant Server 0.00023.
gnomAD v4.1: 269 of 1,613,836 alleles (0.017%); highest among the groups gnomAD compares: Non-Finnish European, 0.022%; no homozygotes.

Submissions (10):

Women's Health and Genetics/Laboratory Corporation of America, LabCorp
Classification: Likely benign. Last evaluated: 2026-03-30. Review status: criteria provided, single submitter. Criteria: LabCorp Variant Classification Summary - May 2015. Collection method: clinical testing. Allele origin: germline.
Comment: Variant summary: COL5A2 c.1292A>G (p.Lys431Arg) results in a conservative amino acid change in the encoded protein sequence. Algorithms developed to predict the effect of missense changes on protein structure and function are either unavailable or do not agree on the potential impact of this missense change. The variant allele was found at a frequency of 5.6e-05 in 251198 control chromosomes. The observed variant frequency exceeds the estimated maximal expected allele frequency for disease-causing variants in COL5A2. To our knowledge, no occurrence of c.1292A>G in individuals affected with COL5A2-related conditions and no experimental evidence demonstrating its impact on protein function have been reported. ClinVar contains an entry for this variant (Variation ID: 213094). Based on the evidence outlined above, the variant was classified as likely benign.

Labcorp Genetics (formerly Invitae), Labcorp
Classification: Likely benign for Ehlers-Danlos syndrome, classic type, 1. Last evaluated: 2026-01-21. Review status: criteria provided, single submitter. Criteria: Invitae Variant Classification Sherloc (09022015). Collection method: clinical testing. Allele origin: germline.

Ambry Genetics
Classification: Uncertain significance for Familial thoracic aortic aneurysm and aortic dissection. Last evaluated: 2025-06-05. Review status: criteria provided, single submitter. Criteria: Ambry Variant Classification Scheme 2023. Collection method: clinical testing. Allele origin: germline.
Comment: The p.K431R variant (also known as c.1292A>G), located in coding exon 20 of the COL5A2 gene, results from an A to G substitution at nucleotide position 1292. The lysine at codon 431 is replaced by arginine, an amino acid with highly similar properties. This amino acid position is highly conserved in available vertebrate species. In addition, the in silico prediction for this alteration is inconclusive. Based on the available evidence, the clinical significance of this variant remains unclear.

Blueprint Genetics
Classification: Likely benign. Last evaluated: 2024-11-18. Review status: criteria provided, single submitter. Criteria: ACMG Guidelines, 2015. Collection method: clinical testing. Allele origin: germline.

PreventionGenetics, part of Exact Sciences
Classification: Uncertain significance for COL5A2-related condition. Last evaluated: 2023-05-23. Review status: criteria provided, single submitter. Criteria: ACMG Guidelines, 2015. Collection method: clinical testing. Allele origin: germline.
Comment: The COL5A2 c.1292A>G variant is predicted to result in the amino acid substitution p.Lys431Arg. To our knowledge, this variant has not been reported in the literature. This variant is reported in 0.010% of alleles in individuals of European (Non-Finnish) descent in gnomAD. Although we suspect that this variant may be benign, at this time, the clinical significance of this variant is uncertain due to the absence of conclusive functional and genetic evidence.

Mayo Clinic Laboratories, Mayo Clinic
Classification: Uncertain significance. Last evaluated: 2023-04-06. Review status: criteria provided, single submitter. Criteria: ACMG Guidelines, 2015. Collection method: clinical testing. Allele origin: germline. Observed: 1 variant allele.
Comment: BS1

GeneDx
Classification: Uncertain significance. Last evaluated: 2021-08-31. Review status: criteria provided, single submitter. Criteria: GeneDx Variant Classification Process June 2021. Collection method: clinical testing. Allele origin: germline. Affected: yes.
Comment: Has not been previously published as pathogenic or benign to our knowledge; In silico analysis supports that this missense variant does not alter protein structure/function; Reported in ClinVar as a variant of uncertain significance (ClinVar Variant ID# 213094; Landrum et al., 2016)

CeGaT Center for Human Genetics Tuebingen
Classification: Uncertain significance. Last evaluated: 2019-04-01. Review status: criteria provided, single submitter. Criteria: CeGaT Center For Human Genetics Tuebingen Variant Classification Criteria Version 2. Collection method: clinical testing. Allele origin: germline. Affected: yes. Observed: 3 variant alleles.

ARUP Laboratories, Molecular Genetics and Genomics, ARUP Laboratories
Classification: Uncertain significance. Last evaluated: 2018-02-16. Review status: criteria provided, single submitter. Criteria: ARUP Molecular Germline Variant Investigation Process. Collection method: clinical testing. Allele origin: germline.
Comment: The COL5A2 c.1292A>G; p.Lys431Arg variant (rs144602736), to our knowledge, is not reported in the medical literature, gene specific variation databases, nor has it been previously identified by our laboratory. This variant is listed in the genome Aggregation Database (gnomAD) with an overall population frequency of 0.006% (identified on 14 out of 245,942 chromosomes) and is classified as a variant of unknown significance in ClinVar (ID: 213094). The lysine at position 431 is highly conserved, considering 12 species, and computational analyses of the effects of the p.Lys431Arg variant on protein structure and function provide conflicting predictions (SIFT: tolerated, PolyPhen-2: possibly damaging ). Based on the available information, the clinical significance of the p.Lys431Arg variant cannot be determined with certainty.

Department of Pathology and Laboratory Medicine, Sinai Health System
Classification: Uncertain significance. Review status: no assertion criteria provided. Collection method: clinical testing. Allele origin: unknown. Affected: yes. Study: The Canadian Open Genetics Repository (COGR). Not counted in ClinVar's aggregate classification.
Comment: The COL5A2 p.Lys431Arg variant was not identified in the literature but was identified in dbSNP (ID: rs144602736) and ClinVar (classified as uncertain significance by Invitae, GeneDx, Illumina, ARUP Laboratories, and CeGaT Praxis). The variant was identified in control databases in 15 of 282602 chromosomes at a frequency of 0.00005308 (Genome Aggregation Database March 6, 2019, v2.1.1). The variant was observed in the following populations: European (non-Finnish) in 13 of 128958 chromosomes (freq: 0.000101) and African in 2 of 24970 chromosomes (freq: 0.00008), but was not observed in the Latino, Ashkenazi Jewish, East Asian, European (Finnish), Other, or South Asian populations. The p.Lys431 residue is conserved in mammals and computational analyses (PolyPhen-2, SIFT, AlignGVGD, BLOSUM, MutationTaster) provide inconsistent predictions regarding the impact to the protein; this information is not very predictive of pathogenicity. The variant occurs outside of the splicing consensus sequence and three of four in silico or computational prediction software programs (SpliceSiteFinder, MaxEntScan, NNSPLICE, GeneSplicer) do not predict a difference in splicing. In summary, based on the above information the clinical significance of this variant cannot be determined with certainty at this time. This variant is classified as a variant of uncertain significance.

NM_000393.5(COL5A2):c.1292A>G (p.Lys431Arg)

Gene: COL5A2 (collagen type V alpha 2 chain; minus strand). Cytogenetic location: 2q32.2.
Variant type: single nucleotide variant.
Coding change: c.1292A>G on transcript NM_000393.5 (MANE Select); coding-DNA position 1292, A replaced by G.
Protein change: p.Lys431Arg; replaces lysine 431 with arginine.
Molecular consequence: missense variant.
Genome position (GRCh38, 1-based): chr2:189,068,236, T>C on the plus strand (A>G on the coding strand, the complement: COL5A2 is on the minus strand). VCF-style: chr2-189068236-T-C. GRCh37 (hg19) VCF-style: chr2-189932962-T-C.
Other names: p.K431R:AAA>AGA; short protein forms K431R.
Identifiers: ClinVar variation 213094 (VCV000213094.68), dbSNP rs144602736, ClinGen allele CA324351.